The following is an entry in ClinVar:

ClinVar aggregate classification (germline): Conflicting classifications of pathogenicity. Review status: criteria provided, conflicting classifications (1 of 4 stars). 2 submissions from 2 submitters: Likely pathogenic (1); Uncertain significance (1). Last evaluated 2019-12-20.

Conditions:
Cardiovascular phenotype. Identifiers: MedGen CN230736.

Submissions (2):

Ambry Genetics
Classification: Uncertain significance for Cardiovascular phenotype. Last evaluated: 2019-12-20. Review status: criteria provided, single submitter. Criteria: Ambry Variant Classification Scheme 2023. Collection method: clinical testing. Allele origin: germline.
Comment: The alteration results in a premature stop of translation:_x000D_ _x000D_ The c.108delC (p.F36Lfs*111) alteration, located in coding exon 2 of the SCN1B gene, consists of a deletion of one nucleotide at position 108, causing a translational frameshift with a predicted alternate stop codon after 111 amino acids. Frameshift alterations are typically deleterious in nature (Richards, 2015). The alteration is not observed in population databases:_x000D_ _x000D_ Based on data from the Genome Aggregation Database (gnomAD), the SCN1B c.108delC alteration was not observed, with coverage at this position. Based on insufficient or conflicting evidence, the clinical significance of this alteration remains unclear.

GeneDx
Classification: Likely pathogenic. Last evaluated: 2017-07-11. Review status: criteria provided, single submitter. Criteria: GeneDx Variant Classification (06012015). Collection method: clinical testing. Allele origin: germline. Affected: yes.
Comment: An apparently de novo variant that is likely pathogenic has been identified in the SCN1B gene. The c.108delC variant has not been published as a pathogenic variant, nor has it been reported as a benign variant to our knowledge. It was not observed in approximately 6,500 individuals of European and African American ancestry in the NHLBI Exome Sequencing Project, indicating it is not a common benign variant in these populations. The c.108delC variant causes a frameshift starting with codon Phenylalanine 36, changes this amino acid to a Leucine residue and creates a premature Stop codon at position 111 of the new reading frame, denoted p.Phe36LeufsX111. This variant is predicted to cause loss of normal protein function either through protein truncation or nonsense-mediated mRNA decay. However, frameshift variants have not been reported in the Human Gene Mutation Database in association with SCN1B-related disorders (Stenson et al., 2014). Therefore, this variant is likely pathogenic; however, the possibility that it is benign cannot be excluded.

NM_001037.5(SCN1B):c.108del (p.Phe36fs)

Gene: SCN1B (sodium voltage-gated channel beta subunit 1; plus strand). Cytogenetic location: 19q13.11.
Variant type: Deletion.
Coding change: c.108del on transcript NM_001037.5 (MANE Select); coding-DNA position 108, one base deleted (C; older notation c.108delC).
Protein change: p.Phe36fs; shifts the reading frame from phenylalanine 36.
Molecular consequence: frameshift variant.
Genome position (GRCh38, 1-based): chr19:35,032,595, C deleted. VCF-style (leftmost placement, unchanged base first): chr19-35032594-TC-T. GRCh37 (hg19) VCF-style: chr19-35523498-TC-T.
Other names: c.9del, p.Phe3fs (NM_001321605.2); c.108del, p.Phe36fs (NM_199037.5); short protein forms F36fs, F3fs.
Identifiers: ClinVar variation 420617 (VCV000420617.6), dbSNP rs1064794589, ClinGen allele CA16620822.